The following is an entry in ClinVar:

ClinVar aggregate classification (germline): Conflicting classifications of pathogenicity. Review status: criteria provided, conflicting classifications (1 of 4 stars). 5 submissions from 5 submitters: Pathogenic (1); Likely pathogenic (2); Uncertain significance (2). Last evaluated 2025-03-03.

Conditions:
3-Methylglutaconic aciduria type 2 (BTHS). Also called: CARDIOSKELETAL MYOPATHY WITH NEUTROPENIA AND ABNORMAL MITOCHONDRIA; Barth syndrome. Identifiers: Orphanet 111, MedGen C0574083, MONDO:0010543, OMIM 302060.
Primary dilated cardiomyopathy (DCM). Also called: Dilated Cardiomyopathy. Identifiers: Orphanet 217604, MedGen C0007193, MeSH D002311, MONDO:0005021, HP:0001644. Inheritance: Various modes of inheritance.

Submissions (5):

Women's Health and Genetics/Laboratory Corporation of America, LabCorp
Classification: Likely pathogenic for Barth Syndrome. Last evaluated: 2025-03-03. Review status: criteria provided, single submitter. Criteria: LabCorp Variant Classification Summary - May 2015. Collection method: clinical testing. Allele origin: germline.
Comment: Variant summary: TAFAZZIN c.347G>A (p.Gly116Asp) results in a non-conservative amino acid change located in the Phospholipid/glycerol acyltransferase domain (IPR002123) of the encoded protein sequence. Five of five in-silico tools predict a damaging effect of the variant on protein function. The variant was absent in 1212183 control chromosomes. c.347G>A has been reported in the literature in an individual affected with Barth Syndrome (Yester_2022). At least one publication reports experimental evidence evaluating an impact on protein function (Claypool_2011, Whited_2013). The most pronounced variant effect results in inactivation of tafazzin transacylase activity. The following publications have been ascertained in the context of this evaluation (PMID: 21300850, 23100323, 35281665). ClinVar contains an entry for this variant (Variation ID: 177794). Based on the evidence outlined above, the variant was classified as likely pathogenic.

Revvity Omics, Revvity
Classification: Uncertain significance for 3-Methylglutaconic aciduria type 2. Last evaluated: 2022-06-02. Review status: criteria provided, single submitter. Criteria: ACMG Guidelines, 2015. Collection method: clinical testing. Allele origin: germline.

Victorian Clinical Genetics Services, Murdoch Childrens Research Institute
Classification: Pathogenic for 3-Methylglutaconic aciduria type 2. Last evaluated: 2022-02-02. Review status: criteria provided, single submitter. Criteria: ACMG Guidelines, 2015. Collection method: clinical testing. Allele origin: germline. Inheritance: X-linked recessive inheritance. Affected: yes.
Comment: Based on the classification scheme VCGS_Germline_v1.3.4, this variant is classified as Pathogenic. Following criteria are met: 0102 - Loss of function is a known mechanism of disease in this gene and is associated with Barth syndrome (MIM#302060). (I) 0109 - This gene is associated with X-linked recessive disease. (I) 0200 - Variant is predicted to result in a missense amino acid change from glycine to aspartic acid. (I) 0253 - This variant is hemizygous. (I) 0301 - Variant is absent from gnomAD (both v2 and v3). (SP) 0501 - Missense variant consistently predicted to be damaging by multiple in silico tools or highly conserved with a major amino acid change. (SP) 0600 - Variant is located in the annotated motif B within the acyltransferase domain (DECIPHER, PMID: 21300850). (I) 0708 - Another missense variant comparable to the one identified in this case has conflicting previous evidence for pathogenicity. This alternative change (p.(Gly116Arg) has been reported in a hemizygous individual with Barth syndrome, but also described as a VUS (PMID: 26845103, LOVD). (I) 0803 - This variant has limited previous evidence of pathogenicity in unrelated individuals. This variant has been described as likely pathogenic, and observed in at least two individuals with Barth syndrome (LOVD, ClinVar). (SP) 0905 - No published segregation evidence has been identified for this variant. (I) 1002 - This variant has moderate functional evidence supporting abnormal protein function. Functional studies using a yeast orthologue has demonstrated this variant results in significantly increased monolysocardiolipin (PMID: 21300850). (SP) Legend: (SP) - Supporting pathogenic, (I) - Information, (SB) - Supporting benign

Molecular Diagnostics Lab, Nemours Children's Health, Delaware
Classification: Uncertain significance for 3-Methylglutaconic aciduria type 2. Last evaluated: 2020-08-24. Review status: criteria provided, single submitter. Criteria: ACMG Guidelines, 2015. Collection method: clinical testing. Allele origin: unknown. Inheritance: X-linked inheritance. Affected: yes. Observed: 1 hemizygote.

Laboratory for Molecular Medicine, Mass General Brigham Personalized Medicine
Classification: Likely pathogenic for Primary dilated cardiomyopathy; 3-Methylglutaconic aciduria type 2. Last evaluated: 2012-08-10. Review status: criteria provided, single submitter. Criteria: LMM Criteria. Collection method: clinical testing. Allele origin: germline. Inheritance: X-linked inheritance. Observed: 2 variant alleles.
Comment: The Gly116Asp variant in TAZ has been identified in 2 individuals with Barth syn drome (LMM unpublished data) and has not been identified in large and broad European American and African American populations by the NHL BI Exome Sequencing Project. This low frequen cy is consistent with a disease causing role. In addition, functional studies in yeast showed an effect of this variant though this assay may not accurately rep resent biological function in humans (Claypool 2011). Computational analyses (bi ochemical amino acid properties, conservation, AlignGVGD, PolyPhen2, and SIFT) s uggest that the Gly116Asp variant may impact the protein, though this informatio n is not predictive enough to determine pathogenicity. Finally, the presence of a TAZ variant is consistent with the clinical diagnosis of Barth syndrome in thi s individual's son and most TAZ variants are pathogenic. In summary, this variant is likely to be pathogenic, though additional studies are required to fully establish its clinical significance.

Literature cited by the submitters: PubMed 21300850 (cited by 4 submitters); PubMed 23100323 (cited by Women's Health and Genetics/Laboratory Corporation of America, LabCorp); PubMed 35281665 (cited by Women's Health and Genetics/Laboratory Corporation of America, LabCorp); PubMed 26845103 (cited by Victorian Clinical Genetics Services, Murdoch Childrens Research Institute); PubMed 11238270 (cited by Laboratory for Molecular Medicine, Mass General Brigham Personalized Medicine).

NM_000116.5(TAFAZZIN):c.347G>A (p.Gly116Asp)

Gene: TAFAZZIN (tafazzin, phospholipid-lysophospholipid transacylase; plus strand). Cytogenetic location: Xq28.
Variant type: single nucleotide variant.
Coding change: c.347G>A on transcript NM_000116.5 (MANE Select); coding-DNA position 347, G replaced by A.
Protein change: p.Gly116Asp; replaces glycine 116 with aspartic acid.
Molecular consequence: missense variant. On other transcripts: non-coding transcript variant (1).
Genome position (GRCh38, 1-based): chrX:154,413,544, G>A. VCF-style: chrX-154413544-G-A. GRCh37 (hg19) VCF-style: chrX-153641881-G-A.
Other names: c.401G>A, p.Gly134Asp (NM_001303465.2); c.347G>A, p.Gly116Asp (NM_181311.4, NM_181312.4, NM_181313.4); short protein forms G116D, G134D.
Identifiers: ClinVar variation 177794 (VCV000177794.11), dbSNP rs727504327, ClinGen allele CA273476.